The following is an entry in ClinVar:

ClinVar aggregate classification (germline): Pathogenic (1 of 4 stars; one submission).

Conditions:
Immunodeficiency 35 (IMD35). Also called: TYK2 DEFICIENCY; Susceptibility to infection due to TYK2 deficiency; HIES WITH ATYPICAL MYCOBACTERIOSIS, AUTOSOMAL RECESSIVE; HYPER-IgE SYNDROME WITH ATYPICAL MYCOBACTERIOSIS, AUTOSOMAL RECESSIVE. Identifiers: Orphanet 331226, MedGen C1969086, MONDO:0012682, OMIM 611521.

Submission:

Labcorp Genetics (formerly Invitae), Labcorp
Classification: Pathogenic for Immunodeficiency 35. Last evaluated: 2024-07-10. Review status: criteria provided, single submitter. Criteria: Invitae Variant Classification Sherloc (09022015). Collection method: clinical testing. Allele origin: germline.
Comment: This sequence change creates a premature translational stop signal (p.Ile959Valfs*120) in the TYK2 gene. It is expected to result in an absent or disrupted protein product. Loss-of-function variants in TYK2 are known to be pathogenic (PMID: 22402565, 26304966). This variant is not present in population databases (gnomAD no frequency). This variant has not been reported in the literature in individuals affected with TYK2-related conditions. For these reasons, this variant has been classified as Pathogenic.

Literature cited by the submitters: PubMed 22402565; PubMed 26304966.

NM_003331.5(TYK2):c.2873_2874insTGTA (p.Ile959fs)

Gene: TYK2 (tyrosine kinase 2; minus strand). Cytogenetic location: 19p13.2.
Variant type: Insertion.
Coding change: c.2873_2874insTGTA on transcript NM_003331.5 (MANE Select); coding-DNA positions 2873 to 2874, TGTA inserted.
Protein change: p.Ile959fs; shifts the reading frame from isoleucine 959.
Molecular consequence: frameshift variant.
Genome position: GRCh38 VCF-style: chr19-10354076-G-GTACA. GRCh37 (hg19) VCF-style: chr19-10464752-G-GTACA.
Other names: c.2873_2874insTGTA, p.Ile959fs (NM_001385197.1, NM_001385198.1, NM_001406461.1); c.2687_2688insTGTA, p.Ile897fs (NM_001385199.1); c.2870_2871insTGTA, p.Ile958fs (NM_001385200.1); c.2675_2676insTGTA, p.Ile893fs (NM_001385201.1); c.2789_2790insTGTA, p.Ile931fs (NM_001385202.1); c.2954_2955insTGTA, p.Ile986fs (NM_001385203.1); c.3083_3084insTGTA, p.Ile1029fs (NM_001385204.1); c.2783_2784insTGTA, p.Ile929fs (NM_001385205.1); and 2 more; short protein forms I929fs, I959fs, I958fs, I917fs, I1029fs, I893fs, I897fs, I931fs.
Identifiers: ClinVar variation 3659006 (VCV003659006.2).
Genomic context (GRCh38, chr19:10,354,076, plus strand): 5'-TCTAGGACTCGCCGGGTCCCGCCCACCTTGGTCCTCGCAGCAGCCCTTGTACTTGATGAT[G>GTACA]TGCTCGTGGTAGAGCGTGCGCAGAATGTCAATCTCCTGCTTCCAGCCCGAGCGGTGCTGG-3'